The following is an entry in ClinVar:

ClinVar aggregate classification (germline): Uncertain significance (1 of 4 stars; one submission).

Conditions:
Familial adenomatous polyposis 1 (FAP1). Also called: FAMILIAL ADENOMATOUS POLYPOSIS 1, ATTENUATED; POLYPOSIS, ADENOMATOUS INTESTINAL. Identifiers: MedGen C2713442, MONDO:0021056, OMIM 175100. Disease mechanism: loss of function.

Submission:

Labcorp Genetics (formerly Invitae), Labcorp
Classification: Uncertain significance for Familial adenomatous polyposis 1. Last evaluated: 2025-09-22. Review status: criteria provided, single submitter. Criteria: Invitae Variant Classification Sherloc (09022015). Collection method: clinical testing. Allele origin: germline.
Comment: This sequence change replaces serine, which is neutral and polar, with isoleucine, which is neutral and non-polar, at codon 2822 of the APC protein (p.Ser2822Ile). This variant is not present in population databases (gnomAD no frequency). This variant has not been reported in the literature in individuals affected with APC-related conditions. Invitae Evidence Modeling of protein sequence and biophysical properties (such as structural, functional, and spatial information, amino acid conservation, physicochemical variation, residue mobility, and thermodynamic stability) indicates that this missense variant is not expected to disrupt APC protein function with a negative predictive value of 95%. In summary, the available evidence is currently insufficient to determine the role of this variant in disease. Therefore, it has been classified as a Variant of Uncertain Significance.

NM_000038.6(APC):c.8465G>T (p.Ser2822Ile)

Gene: APC (APC regulator of Wnt signaling pathway; plus strand). Cytogenetic location: 5q22.2.
Variant type: single nucleotide variant.
Coding change: c.8465G>T on transcript NM_000038.6 (MANE Select); coding-DNA position 8465, G replaced by T.
Protein change: p.Ser2822Ile; replaces serine 2822 with isoleucine.
Molecular consequence: missense variant. On other transcripts: non-coding transcript variant (2).
Genome position (GRCh38, 1-based): chr5:112,844,059, G>T. VCF-style: chr5-112844059-G-T. GRCh37 (hg19) VCF-style: chr5-112179756-G-T.
Other names: c.8465G>T, p.Ser2822Ile (NM_001127510.3, NM_001354895.2, NM_001407450.1); c.8411G>T, p.Ser2804Ile (NM_001127511.3); c.8519G>T, p.Ser2840Ile (NM_001354896.2, NM_001407447.1, NM_001407448.1 and 1 more transcripts); c.8495G>T, p.Ser2832Ile (NM_001354897.2); c.8390G>T, p.Ser2797Ile (NM_001354898.2); c.8381G>T, p.Ser2794Ile (NM_001354899.2); c.8342G>T, p.Ser2781Ile (NM_001354900.2); c.8288G>T, p.Ser2763Ile (NM_001354901.2, NM_001407453.1); and 11 more; short protein forms S2438I, S2539I, S2662I, S2693I, S2696I, S2721I, S2731I, S2739I.
Identifiers: ClinVar variation 4801531 (VCV004801531.1).